The following is an entry in ClinVar:

ClinVar aggregate classification (germline): Likely pathogenic (1 of 4 stars; one submission).

Conditions:
Fanconi anemia (FA). Also called: Fanconi's anemia. Identifiers: Orphanet 84, MedGen C0015625, MeSH D005199, MONDO:0019391.

Submission:

Natera, Inc.
Classification: Likely pathogenic for Fanconi anemia. Last evaluated: 2025-02-20. Review status: criteria provided, single submitter. Criteria: Natera Variant Classification Schema (03/2026). Collection method: clinical testing. Allele origin: germline.
Comment: The c.484dup variant in FANCC is a frameshift variant predicted to shift the reading frame beginning at codon 162 and leads to a stop codon 6 codons downstream. This variant is expected to result in nonsense mediated decay, truncation, or a dysfunctional protein product. This variant is rare in the general population with a frequency below the threshold expected for the associated phenotype(s). Given the available evidence, this variant is classified as Likely Pathogenic.

NM_000136.3(FANCC):c.484dup (p.Arg162fs)

Gene: FANCC (FA complementation group C; minus strand). Cytogenetic location: 9q22.32.
Variant type: Duplication.
Coding change: c.484dup on transcript NM_000136.3 (MANE Select); coding-DNA position 484, one base duplicated (A; older notation c.484dupA).
Protein change: p.Arg162fs; shifts the reading frame from arginine 162.
Molecular consequence: frameshift variant.
Genome position (GRCh38, 1-based): chr9:95,171,116, T duplicated on the plus strand (A on the coding strand, the reverse complement: FANCC is on the minus strand). VCF-style (leftmost placement, unchanged base first): chr9-95171115-C-CT. GRCh37 (hg19) VCF-style: chr9-97933397-C-CT.
Other names: c.484dup, p.Arg162fs (NM_001243743.2, NM_001243744.2); short protein forms R162fs.
Identifiers: ClinVar variation 4817550 (VCV004817550.1).
Genomic context (GRCh38, chr9:95,171,115, plus strand): 5'-AAGGATGTTTAGTTTAACACCTACCGCCTTTGAGTGTTAAATCCATTAAGATGATTCTCT[C>CT]TGAGTTCAGACGCTAATGATAAAACCATCTGTAAAACAAAATCAGTTGCAGGTTAACTCA-3'